The following is an entry in ClinVar:

ClinVar aggregate classification (germline): Conflicting classifications of pathogenicity. Review status: criteria provided, conflicting classifications (1 of 4 stars). 6 submissions from 6 submitters: Uncertain significance (5); Benign (1). Last evaluated 2025-12-20.

Conditions:
Primary ciliary dyskinesia 7. Also called: CILIARY DYSKINESIA, PRIMARY, 7, WITH OR WITHOUT SITUS INVERSUS. Identifiers: Orphanet 244, MedGen C2678473, MONDO:0012748, OMIM 611884.
Primary ciliary dyskinesia. Also called: Ciliary dyskinesia. Identifiers: Orphanet 244, MedGen C0008780, MONDO:0016575, HP:0012265.

Allele frequency attached by ClinVar (database versions not stated): ESP Exome Variant Server 0.00024; gnomAD 0.00024 and 0.00023; TOPMed 0.00027; 1000 Genomes Project 30x 0.00016; ExAC 0.00016; 1000 Genomes Project 0.00020; gnomAD exomes 0.00020 and 0.00022.
gnomAD v4.1: 356 of 1,613,656 alleles (0.022%); highest among the groups gnomAD compares: Admixed American, 0.028%; no homozygotes.

Submissions (6):

Labcorp Genetics (formerly Invitae), Labcorp
Classification: Benign for Primary ciliary dyskinesia. Last evaluated: 2025-12-20. Review status: criteria provided, single submitter. Criteria: Invitae Variant Classification Sherloc (09022015). Collection method: clinical testing. Allele origin: germline.

Women's Health and Genetics/Laboratory Corporation of America, LabCorp
Classification: Uncertain significance. Last evaluated: 2024-04-11. Review status: criteria provided, single submitter. Criteria: LabCorp Variant Classification Summary - May 2015. Collection method: clinical testing. Allele origin: germline.
Comment: Variant summary: DNAH11 c.11249T>G (p.Val3750Gly) results in a non-conservative amino acid change in the encoded protein sequence. Three of four in-silico tools predict a benign effect of the variant on protein function. The variant allele was found at a frequency of 0.0002 in 248410 control chromosomes (gnomAD). To our knowledge, no occurrence of c.11249T>G in individuals affected with Primary Ciliary Dyskinesia 7 and no experimental evidence demonstrating its impact on protein function have been reported. ClinVar contains an entry for this variant (Variation ID: 359677). Based on the evidence outlined above, the variant was classified as uncertain significance.

Clinical Genomics Laboratory, Washington University in St. Louis
Classification: Uncertain significance for Primary ciliary dyskinesia 7. Last evaluated: 2023-08-14. Review status: criteria provided, single submitter. Criteria: ACMG Guidelines, 2015. Collection method: clinical testing. Allele origin: germline.
Comment: The DNAH11 c.11249T>G (p.Val3750Gly) variant, to our knowledge, has not been reported in the medical literature in an individual with primary ciliary dyskinesia but has been reported in the ClinVar database as a germline variant of uncertain significance by three submitters and a benign variant by one submitter. The overall minor allele frequency in the population database genome aggregation database (v.2.1.1) is 0.02% which is lower than the incidence of autosomal recessive primary ciliary dyskinesia. The valine at this codon is not conserved across vertebrates and computational predictors suggest that the variant does not impact DNAH11 function. Due to limited information, and based on ACMG/AMP guidelines for variant interpretation (Richards S et al., PMID: 25741868), the clinical significance of this variant is uncertain at this time.

Fulgent Genetics
Classification: Uncertain significance for Primary ciliary dyskinesia 7. Last evaluated: 2018-10-31. Review status: criteria provided, single submitter. Criteria: ACMG Guidelines, 2015. Collection method: clinical testing. Allele origin: unknown.

Ambry Genetics
Classification: Uncertain significance for Primary ciliary dyskinesia. Last evaluated: 2017-08-08. Review status: criteria provided, single submitter. Criteria: Ambry Variant Classification Scheme 2023. Collection method: clinical testing. Allele origin: germline.
Comment: The p.V3750G variant (also known as c.11249T>G), located in coding exon 69 of the DNAH11 gene, results from a T to G substitution at nucleotide position 11249. The valine at codon 3750 is replaced by glycine, an amino acid with dissimilar properties. This amino acid position is poorly conserved in available vertebrate species. In addition, this alteration is predicted to betolerated by SIFT in silico analysis. Since supporting evidence is limited at this time, the clinical significance of this alteration remains unclear.

Breakthrough Genomics
Classification: Uncertain significance. Review status: criteria provided, single submitter. Criteria: ACMG Guidelines, 2015. Collection method: not provided. Allele origin: germline. Inheritance: Autosomal recessive inheritance. Affected: yes.

NM_001277115.2(DNAH11):c.11249T>G (p.Val3750Gly)

Gene: DNAH11 (dynein axonemal heavy chain 11; plus strand). Cytogenetic location: 7p15.3.
Variant type: single nucleotide variant.
Coding change: c.11249T>G on transcript NM_001277115.2 (MANE Select); coding-DNA position 11249, T replaced by G.
Protein change: p.Val3750Gly; replaces valine 3750 with glycine.
Molecular consequence: missense variant.
Genome position (GRCh38, 1-based): chr7:21,861,899, T>G. VCF-style: chr7-21861899-T-G. GRCh37 (hg19) VCF-style: chr7-21901517-T-G.
Other names: short protein forms V3750G.
Identifiers: ClinVar variation 359677 (VCV000359677.19), dbSNP rs199864090, ClinGen allele CA4182679.